The following is an entry in ClinVar:

ClinVar aggregate classification (germline): Pathogenic (1 of 4 stars; one submission).

Submission:

Labcorp Genetics (formerly Invitae), Labcorp
Classification: Pathogenic. Last evaluated: 2022-12-17. Review status: criteria provided, single submitter. Criteria: Invitae Variant Classification Sherloc (09022015). Collection method: clinical testing. Allele origin: germline.
Comment: This sequence change creates a premature translational stop signal (p.Gln51Cysfs*27) in the PCNT gene. It is expected to result in an absent or disrupted protein product. Loss-of-function variants in PCNT are known to be pathogenic (PMID: 18174396, 22821869). This variant is not present in population databases (gnomAD no frequency). For these reasons, this variant has been classified as Pathogenic. This variant has not been reported in the literature in individuals affected with PCNT-related conditions.

Literature cited by the submitters: PubMed 18174396; PubMed 22821869.

NM_006031.6(PCNT):c.143_146dup (p.Gln51fs)

Genes: PCNT (pericentrin; plus strand), LOC128092249 (uncharacterized LOC128092249; plus strand). Cytogenetic location: 21q22.3.
Variant type: Duplication.
Coding change: c.143_146dup on transcript NM_006031.6 (MANE Select); coding-DNA positions 143 to 146, 4 bases duplicated (CGTC; older notation c.143_146dupCGTC).
Protein change: p.Gln51fs; shifts the reading frame from glutamine 51.
Molecular consequence: frameshift variant. On other transcripts: 5 prime UTR variant (1).
Genome position (GRCh38, 1-based): chr21:46,326,465-46,326,468, CGTC duplicated. VCF-style (leftmost placement, unchanged base first): chr21-46326464-G-GCGTC. GRCh37 (hg19) VCF-style: chr21-47746378-G-GCGTC.
Other names: c.178_181dup, p.Leu61fs (NM_001414902.1); c.-212_-209dup (NM_001315529.2); short protein forms Q51fs, L61fs.
Identifiers: ClinVar variation 2108844 (VCV002108844.5), dbSNP rs2517877620, ClinGen allele CA2580098974.